The following is an entry in ClinVar:

ClinVar aggregate classification (germline): Uncertain significance. Review status: criteria provided, multiple submitters, no conflicts (2 of 4 stars). 2 submissions from 2 submitters: Uncertain significance (2). Last evaluated 2026-01-26.

Conditions:
Epidermolysis bullosa simplex with nail dystrophy (EBS5D). Identifiers: MedGen C4225309, MONDO:0014661, OMIM 616487.
Autosomal recessive limb-girdle muscular dystrophy type 2Q (LGMDR17). Also called: MUSCULAR DYSTROPHY, LIMB-GIRDLE, AUTOSOMAL RECESSIVE 17. Identifiers: Orphanet 254361, MedGen C3150989, MONDO:0013390, OMIM 613723.
Epidermolysis bullosa simplex 5C, with pyloric atresia (EBS5C). Also called: PLEC1-Related Epidermolysis Bullosa with Pyloric Atresia; PLEC-Related Epidermolysis Bullosa with Pyloric Atresia; Epidermolysis bullosa simplex with pyloric atresia. Identifiers: Orphanet 158684, MedGen C2677349, MONDO:0012807, OMIM 612138.
Epidermolysis bullosa simplex 5B, with muscular dystrophy (EBS5B). Also called: Epidermolysis bullosa simplex with muscular dystrophy; EPIDERMOLYSIS BULLOSA SIMPLEX AND LIMB-GIRDLE MUSCULAR DYSTROPHY. Identifiers: Orphanet 257, MedGen C2931072, MONDO:0009181, OMIM 226670.
Epidermolysis bullosa simplex, Ogna type (EBS5A). Also called: EPIDERMOLYSIS BULLOSA SIMPLEX 5A, OGNA TYPE; Pidermolysis bullosa simplex 5A, Ogna type. Identifiers: Orphanet 79401, MedGen C0432317, MONDO:0007555, OMIM 131950.

Allele frequency attached by ClinVar (database versions not stated): ExAC 0.00002; gnomAD 0.00002; gnomAD exomes 0.00002; TOPMed 0.00002; ESP Exome Variant Server 0.00008.
gnomAD v4.1: 26 of 1,612,788 alleles (0.0016%); highest among the groups gnomAD compares: Admixed American, 0.0067%; no homozygotes.

Submissions (2):

Labcorp Genetics (formerly Invitae), Labcorp
Classification: Uncertain significance for Autosomal recessive limb-girdle muscular dystrophy type 2Q; Epidermolysis bullosa simplex, Ogna type; Epidermolysis bullosa simplex with nail dystrophy; Epidermolysis bullosa simplex 5C, with pyloric atresia; Epidermolysis bullosa simplex 5B, with muscular dystrophy. Last evaluated: 2026-01-26. Review status: criteria provided, single submitter. Criteria: Invitae Variant Classification Sherloc (09022015). Collection method: clinical testing. Allele origin: germline.
Comment: This sequence change replaces threonine, which is neutral and polar, with methionine, which is neutral and non-polar, at codon 2988 of the PLEC protein (p.Thr2988Met). This variant is present in population databases (rs375043980, gnomAD 0.009%). This variant has not been reported in the literature in individuals affected with PLEC-related conditions. ClinVar contains an entry for this variant (Variation ID: 2953681). An algorithm developed to predict the effect of missense changes on protein structure and function (PolyPhen-2) suggests that this variant is likely to be disruptive. In summary, the available evidence is currently insufficient to determine the role of this variant in disease. Therefore, it has been classified as a Variant of Uncertain Significance.

Neuberg Centre For Genomic Medicine, NCGM
Classification: Uncertain significance for Autosomal recessive limb-girdle muscular dystrophy type 2Q. Review status: criteria provided, single submitter. Criteria: ACMG Guidelines, 2015. Collection method: clinical testing. Allele origin: germline. Inheritance: Autosomal recessive inheritance. Affected: yes.
Comment: The observed missense c.8882C>T p.Thr2961Met variant in PLEC gene has not been reported previously as a pathogenic variant nor as a benign variant, to our knowledge. The p.Thr2961Met variant is present with allele frequency of 0.002% in gnomAD Exomes. This variant has not been submitted to the ClinVar database. Multiple lines of computational evidence Polyphen - Probably Damaging, SIFT - Damaging and MutationTaster - Disease causing predict a damaging effect on protein structure and function for this variant. The reference amino acid of p.Thr2961Met in PLEC is predicted as conserved by GERP++ and PhyloP across 100 vertebrates. The amino acid Thr at position 2961 is changed to a Met changing protein sequence and it might alter its composition and physico-chemical properties. For these reasons, this variant has been classified as a Variant of Uncertain Significance VUS.

NM_201384.3(PLEC):c.8882C>T (p.Thr2961Met)

Gene: PLEC (plectin; minus strand). Cytogenetic location: 8q24.3.
Variant type: single nucleotide variant.
Coding change: c.8882C>T on transcript NM_201384.3 (MANE Select); coding-DNA position 8882, C replaced by T.
Protein change: p.Thr2961Met; replaces threonine 2961 with methionine.
Molecular consequence: missense variant.
Genome position (GRCh38, 1-based): chr8:143,920,939, G>A on the plus strand (C>T on the coding strand, the complement: PLEC is on the minus strand). VCF-style: chr8-143920939-G-A. GRCh37 (hg19) VCF-style: chr8-144995107-G-A.
Other names: c.8963C>T, p.Thr2988Met (NM_000445.5); c.5582C>T, p.Thr1861Met (NM_001410941.1); c.8840C>T, p.Thr2947Met (NM_201378.4); c.8816C>T, p.Thr2939Met (NM_201379.3); c.9293C>T, p.Thr3098Met (NM_201380.4); c.8786C>T, p.Thr2929Met (NM_201381.3); c.8882C>T, p.Thr2961Met (NM_201382.4); c.8894C>T, p.Thr2965Met (NM_201383.3); short protein forms T2947M, T2965M, T2988M, T2929M, T2939M, T1861M, T2961M, T3098M.
Identifiers: ClinVar variation 2953681 (VCV002953681.4), dbSNP rs375043980, ClinGen allele CA4925149.